The following is an entry in ClinVar:

ClinVar aggregate classification (germline): Uncertain significance. Review status: criteria provided, multiple submitters, no conflicts (2 of 4 stars). 2 submissions from 2 submitters: Uncertain significance (2). Last evaluated 2026-02-23.

Allele frequency attached by ClinVar (database versions not stated): gnomAD exomes below 0.00001; TOPMed below 0.00001.

Submissions (2):

Women's Health and Genetics/Laboratory Corporation of America, LabCorp
Classification: Uncertain significance. Last evaluated: 2026-02-23. Review status: criteria provided, single submitter. Criteria: LabCorp Variant Classification Summary - May 2015. Collection method: clinical testing. Allele origin: germline.
Comment: Variant summary: GRIA3 c.1220C>T (p.Pro407Leu) results in a non-conservative amino acid change in the encoded protein sequence. Algorithms developed to predict the effect of missense changes on protein structure and function are either unavailable or do not agree on the potential impact of this missense change. The variant was absent in 183138 control chromosomes. The available data on variant occurrences in the general population are insufficient to allow any conclusion about variant significance. To our knowledge, no occurrence of c.1220C>T in individuals affected with GRIA3-related conditions and no experimental evidence demonstrating its impact on protein function have been reported. ClinVar contains an entry for this variant (Variation ID: 2892750). Based on the evidence outlined above, the variant was classified as uncertain significance.

Labcorp Genetics (formerly Invitae), Labcorp
Classification: Uncertain significance. Last evaluated: 2023-03-30. Review status: criteria provided, single submitter. Criteria: Invitae Variant Classification Sherloc (09022015). Collection method: clinical testing. Allele origin: germline.
Comment: This variant is not present in population databases (gnomAD no frequency). In summary, the available evidence is currently insufficient to determine the role of this variant in disease. Therefore, it has been classified as a Variant of Uncertain Significance. An algorithm developed to predict the effect of missense changes on protein structure and function (PolyPhen-2) suggests that this variant is likely to be tolerated. This variant has not been reported in the literature in individuals affected with GRIA3-related conditions. This sequence change replaces proline, which is neutral and non-polar, with leucine, which is neutral and non-polar, at codon 407 of the GRIA3 protein (p.Pro407Leu).

NM_007325.5(GRIA3):c.1220C>T (p.Pro407Leu)

Gene: GRIA3 (glutamate ionotropic receptor AMPA type subunit 3; plus strand). Cytogenetic location: Xq25.
Variant type: single nucleotide variant.
Coding change: c.1220C>T on transcript NM_007325.5 (MANE Select); coding-DNA position 1220, C replaced by T.
Protein change: p.Pro407Leu; replaces proline 407 with leucine.
Molecular consequence: missense variant.
Genome position (GRCh38, 1-based): chrX:123,403,446, C>T. VCF-style: chrX-123403446-C-T. GRCh37 (hg19) VCF-style: chrX-122537297-C-T.
Other names: c.1220C>T, p.Pro407Leu (NM_000828.5); short protein forms P407L.
Identifiers: ClinVar variation 2892750 (VCV002892750.4), dbSNP rs1828246125, ClinGen allele CA414258701.
Genomic context (GRCh38, chrX:123,403,446, plus strand): 5'-CCAGGTCAAATGTCTTCTCTTTCTAGGCTGGCTACTGGAATGAGTATGAAAGGTTTGTGC[C>T]TTTCTCAGATCAGCAAATCAGCAATGACAGTGCATCCTCAGAGAATCGGACCATAGTAGT-3'
Protein context (NP_015564.5, residues 397-417): GYWNEYERFV[Pro407Leu]FSDQQISNDS